The following is an entry in ClinVar:

ClinVar aggregate classification (germline): Likely benign (1 of 4 stars; one submission).

Allele frequency attached by ClinVar (database versions not stated): TOPMed 0.00009; gnomAD 0.00020; gnomAD exomes 0.00097; 1000 Genomes Project 30x 0.00125; 1000 Genomes Project 0.00140.
gnomAD v4.1: 255 of 398,192 alleles (0.064%); highest among the groups gnomAD compares: East Asian, 0.8%; 2 homozygotes.

Submission:

CeGaT Center for Human Genetics Tuebingen
Classification: Likely benign. Last evaluated: 2025-12-01. Review status: criteria provided, single submitter. Criteria: CeGaT Center For Human Genetics Tuebingen Variant Classification Criteria Version 2. Collection method: clinical testing. Allele origin: germline. Affected: yes. Observed: 4 variant alleles.
Comment: KCNQ1OT1: BS1

NM_000218.3(KCNQ1):c.1394-30663A>G

Genes: KCNQ1 (potassium voltage-gated channel subfamily Q member 1; plus strand), KCNQ1OT1 (KCNQ1 opposite strand/antisense transcript 1; minus strand). Cytogenetic location: 11p15.5.
Variant type: single nucleotide variant.
Coding change: c.1394-30663A>G on transcript NM_000218.3 (MANE Select); 30663 bases into the intron before coding-DNA position 1394, A replaced by G.
Molecular consequence: intron variant.
Genome position (GRCh38, 1-based): chr11:2,631,298, A>G. VCF-style: chr11-2631298-A-G. GRCh37 (hg19) VCF-style: chr11-2652528-A-G.
Other names: c.1124-30663A>G (NM_001406837.1); c.1298-30663A>G (NM_001406836.1); c.854-30663A>G (NM_001406838.1); c.1013-30663A>G (NM_181798.2).
Identifiers: ClinVar variation 2570786 (VCV002570786.27), dbSNP rs146044834, ClinGen allele CA216145591.